The following is an entry in ClinVar:

NM_203446.3(SYNJ1):c.889A>G (p.Ile297Val)

Gene: SYNJ1 (synaptojanin 1; minus strand). Cytogenetic location: 21q22.11.
Variant type: single nucleotide variant.
Coding change: c.889A>G on transcript NM_203446.3 (MANE Select); coding-DNA position 889, A replaced by G.
Protein change: p.Ile297Val; replaces isoleucine 297 with valine.
Molecular consequence: missense variant.
Genome position (GRCh38, 1-based): chr21:32,687,037, T>C on the plus strand (A>G on the coding strand, the complement: SYNJ1 is on the minus strand). VCF-style: chr21-32687037-T-C. GRCh37 (hg19) VCF-style: chr21-34059347-T-C.
Other names: p.Ile336Val; c.889A>G, p.Ile297Val (NM_001160302.2, NM_001160306.2); c.1006A>G, p.Ile336Val (NM_003895.4); short protein forms I297V, I336V.
Identifiers: ClinVar variation 967394 (VCV000967394.6), dbSNP rs775110785, ClinGen allele CA10004007.

ClinVar aggregate classification (germline): Uncertain significance. Review status: criteria provided, multiple submitters, no conflicts (2 of 4 stars). 2 submissions from 2 submitters: Uncertain significance (2). Last evaluated 2023-02-07.

Conditions:
Early-onset Parkinson disease 20. Also called: PARKINSON DISEASE 20, AUTOSOMAL RECESSIVE EARLY-ONSET. Identifiers: Orphanet 391411, MedGen C3809824, MONDO:0014233, OMIM 615530.
Developmental and epileptic encephalopathy, 53. Also called: Epileptic encephalopathy, early infantile, 53. Identifiers: MedGen C4479313, MONDO:0033362, OMIM 617389.

Allele frequency attached by ClinVar (database versions not stated): ExAC 0.00002; gnomAD 0.00002 and 0.00001; gnomAD exomes 0.00002 and 0.00004; TOPMed 0.00002.
gnomAD v4.1: 61 of 1,545,384 alleles (0.0039%); highest among the groups gnomAD compares: Middle Eastern, 0.017%; no homozygotes.

Submissions (2):

Mayo Clinic Laboratories, Mayo Clinic
Classification: Uncertain significance. Last evaluated: 2023-02-07. Review status: criteria provided, single submitter. Criteria: ACMG Guidelines, 2015. Collection method: clinical testing. Allele origin: germline. Observed: 1 variant allele.
Comment: BP4

Labcorp Genetics (formerly Invitae), Labcorp
Classification: Uncertain significance for Developmental and epileptic encephalopathy, 53; Early-onset Parkinson disease 20. Last evaluated: 2022-07-05. Review status: criteria provided, single submitter. Criteria: Invitae Variant Classification Sherloc (09022015). Collection method: clinical testing. Allele origin: germline.
Comment: This sequence change replaces isoleucine, which is neutral and non-polar, with valine, which is neutral and non-polar, at codon 336 of the SYNJ1 protein (p.Ile336Val). This variant is present in population databases (rs775110785, gnomAD 0.004%). This variant has not been reported in the literature in individuals affected with SYNJ1-related conditions. ClinVar contains an entry for this variant (Variation ID: 967394). Algorithms developed to predict the effect of missense changes on protein structure and function (SIFT, PolyPhen-2, Align-GVGD) all suggest that this variant is likely to be tolerated. Algorithms developed to predict the effect of sequence changes on RNA splicing suggest that this variant may create or strengthen a splice site. In summary, the available evidence is currently insufficient to determine the role of this variant in disease. Therefore, it has been classified as a Variant of Uncertain Significance.